The following is an entry in ClinVar:

NM_001001563.5(TIMM50):c.521G>A (p.Arg174His)

Gene: TIMM50 (translocase of inner mitochondrial membrane 50; plus strand). Cytogenetic location: 19q13.2.
Variant type: single nucleotide variant.
Coding change: c.521G>A on transcript NM_001001563.5 (MANE Select); coding-DNA position 521, G replaced by A.
Protein change: p.Arg174His; replaces arginine 174 with histidine.
Molecular consequence: missense variant.
Genome position (GRCh38, 1-based): chr19:39,486,215, G>A. VCF-style: chr19-39486215-G-A. GRCh37 (hg19) VCF-style: chr19-39976855-G-A.
Other names: c.830G>A (NM_001001563.3); c.182G>A, p.Arg61His (NM_001329559.2); short protein forms R174H, R61H.
Identifiers: ClinVar variation 1415262 (VCV001415262.9), dbSNP rs776988071, ClinGen allele CA9431876.

ClinVar aggregate classification (germline): Uncertain significance. Review status: criteria provided, multiple submitters, no conflicts (2 of 4 stars). 2 submissions from 2 submitters: Uncertain significance (2). Last evaluated 2024-01-26.

Allele frequency attached by ClinVar (database versions not stated): gnomAD exomes below 0.00001; ExAC 0.00001; TOPMed 0.00001.
gnomAD v4.1: 6 of 1,614,142 alleles (0.00037%); highest among the groups gnomAD compares: South Asian, 0.0011%; no homozygotes.

Submissions (2):

GeneDx
Classification: Uncertain significance. Last evaluated: 2024-01-26. Review status: criteria provided, single submitter. Criteria: GeneDx Variant Classification Process June 2021. Collection method: clinical testing. Allele origin: germline. Affected: yes.
Comment: In silico analysis supports that this missense variant has a deleterious effect on protein structure/function; Has not been previously published as pathogenic or benign to our knowledge

Labcorp Genetics (formerly Invitae), Labcorp
Classification: Uncertain significance. Last evaluated: 2022-08-23. Review status: criteria provided, single submitter. Criteria: Invitae Variant Classification Sherloc (09022015). Collection method: clinical testing. Allele origin: germline.
Comment: In summary, the available evidence is currently insufficient to determine the role of this variant in disease. Therefore, it has been classified as a Variant of Uncertain Significance. Algorithms developed to predict the effect of missense changes on protein structure and function are either unavailable or do not agree on the potential impact of this missense change (SIFT: "Not Available"; PolyPhen-2: "Probably Damaging"; Align-GVGD: "Not Available"). ClinVar contains an entry for this variant (Variation ID: 1415262). This variant has not been reported in the literature in individuals affected with TIMM50-related conditions. This variant is present in population databases (rs776988071, gnomAD 0.003%). This sequence change replaces arginine, which is basic and polar, with histidine, which is basic and polar, at codon 277 of the TIMM50 protein (p.Arg277His).